The following is an entry in ClinVar:

ClinVar aggregate classification (germline): Pathogenic (1 of 4 stars; one submission).

Submission:

Labcorp Genetics (formerly Invitae), Labcorp
Classification: Pathogenic. Last evaluated: 2022-08-13. Review status: criteria provided, single submitter. Criteria: Invitae Variant Classification Sherloc (09022015). Collection method: clinical testing. Allele origin: germline.
Comment: For these reasons, this variant has been classified as Pathogenic. This variant has not been reported in the literature in individuals affected with GLE1-related conditions. This variant is not present in population databases (gnomAD no frequency). This sequence change creates a premature translational stop signal (p.Gln242*) in the GLE1 gene. It is expected to result in an absent or disrupted protein product. Loss-of-function variants in GLE1 are known to be pathogenic (PMID: 18204449, 24243016, 27684565).

Literature cited by the submitters: PubMed 18204449; PubMed 24243016; PubMed 27684565.

NM_001003722.2(GLE1):c.724C>T (p.Gln242Ter)

Gene: GLE1 (GLE1 RNA export mediator; plus strand). Cytogenetic location: 9q34.11.
Variant type: single nucleotide variant.
Coding change: c.724C>T on transcript NM_001003722.2 (MANE Select); coding-DNA position 724, C replaced by T.
Protein change: p.Gln242Ter; replaces glutamine 242 with a stop codon.
Molecular consequence: nonsense.
Genome position (GRCh38, 1-based): chr9:128,523,673, C>T. VCF-style: chr9-128523673-C-T. GRCh37 (hg19) VCF-style: chr9-131285952-C-T.
Other names: c.724C>T, p.Gln242Ter (NM_001411013.1, NM_001499.2); short protein forms Q242*.
Identifiers: ClinVar variation 2023936 (VCV002023936.4), dbSNP rs2540596707, ClinGen allele CA375039761.
Genomic context (GRCh38, chr9:128,523,673, plus strand): 5'-GAAGCAGAGCAGCAGCGCGTGAAGCAAGCAGAACAGGAGCGGCTTCGGAAGGAAGAAGGC[C>T]AGATCCGCCTGCGGGCCCTCTATGCTCTGCAGGAGGAGATGCTGCAGCTCAGCCAGCAGC-3'